The following is an entry in ClinVar:

ClinVar aggregate classification (germline): Uncertain significance (1 of 4 stars; one submission).

Conditions:
Gastrointestinal stromal tumor. Also called: Gastrointestinal stromal tumor, somatic; Gastrointestinal stroma tumor. Identifiers: Orphanet 44890, MedGen C0238198, MeSH D046152, MONDO:0011719, OMIM 606764, HP:0100723.

Submission:

Labcorp Genetics (formerly Invitae), Labcorp
Classification: Uncertain significance for Gastrointestinal stromal tumor. Last evaluated: 2020-07-10. Review status: criteria provided, single submitter. Criteria: Invitae Variant Classification Sherloc (09022015). Collection method: clinical testing. Allele origin: germline.
Comment: In summary, the available evidence is currently insufficient to determine the role of this variant in disease. Therefore, it has been classified as a Variant of Uncertain Significance. Algorithms developed to predict the effect of missense changes on protein structure and function (SIFT, PolyPhen-2, Align-GVGD) all suggest that this variant is likely to be disruptive, but these predictions have not been confirmed by published functional studies and their clinical significance is uncertain. This variant has not been reported in the literature in individuals with KIT-related conditions. This variant is not present in population databases (ExAC no frequency). This sequence change replaces proline with serine at codon 341 of the KIT protein (p.Pro341Ser). The proline residue is highly conserved and there is a moderate physicochemical difference between proline and serine.

NM_000222.3(KIT):c.1021C>T (p.Pro341Ser)

Gene: KIT (KIT proto-oncogene, receptor tyrosine kinase; plus strand). Cytogenetic location: 4q12.
Variant type: single nucleotide variant.
Coding change: c.1021C>T on transcript NM_000222.3 (MANE Select); coding-DNA position 1021, C replaced by T.
Protein change: p.Pro341Ser; replaces proline 341 with serine.
Molecular consequence: missense variant.
Genome position (GRCh38, 1-based): chr4:54,707,193, C>T. VCF-style: chr4-54707193-C-T. GRCh37 (hg19) VCF-style: chr4-55573359-C-T.
Other names: c.1021C>T, p.Pro341Ser (NM_001093772.2, NM_001385285.1, NM_001385286.1); c.1024C>T, p.Pro342Ser (NM_001385284.1, NM_001385288.1, NM_001385290.1 and 1 more transcripts); short protein forms P341S, P342S.
Identifiers: ClinVar variation 1022372 (VCV001022372.9), dbSNP rs1720842703, ClinGen allele CA356900979.
Genomic context (GRCh38, chr4:54,707,193, plus strand): 5'-ACTACAGTATTTGTAAACGATGGAGAAAATGTAGATTTGATTGTTGAATATGAAGCATTC[C>T]CCAAACCTGAACACCAGCAGTGGATCTATATGAACAGAACCTTCACTGATAAATGGGAAG-3'
Protein context (NP_000213.1, residues 331-351): VDLIVEYEAF[Pro341Ser]KPEHQQWIYM